The following is an entry in ClinVar:

NM_002474.3(MYH11):c.2297G>A (p.Ser766Asn)

Gene: MYH11 (myosin heavy chain 11; minus strand). Cytogenetic location: 16p13.11.
Variant type: single nucleotide variant.
Coding change: c.2297G>A on transcript NM_002474.3 (MANE Select); coding-DNA position 2297, G replaced by A.
Protein change: p.Ser766Asn; replaces serine 766 with asparagine.
Molecular consequence: missense variant.
Genome position (GRCh38, 1-based): chr16:15,747,684, C>T on the plus strand (G>A on the coding strand, the complement: MYH11 is on the minus strand). VCF-style: chr16-15747684-C-T. GRCh37 (hg19) VCF-style: chr16-15841541-C-T.
Other names: c.2318G>A, p.Ser773Asn (NM_001040113.2, NM_001040114.2); c.2297G>A, p.Ser766Asn (NM_022844.3); short protein forms S766N, S773N.
Identifiers: ClinVar variation 372955 (VCV000372955.20), dbSNP rs1050298581, ClinGen allele CA16042976.
Genomic context (GRCh38, chr16:15,747,684, plus strand): 5'-ATCTTCAAATCTCGCTCCTCCTCTAGGTGGGCCAGGACGCCAGTTCGGAAGAAGATTTTG[C>T]TCTGCCCTATCCTGTATAAGTTGGGGTCAAGTTCCAGGGCTTTGATCTGCAAAAGGAAGG-3'
Protein context (NP_002465.1, residues 756-776): LDPNLYRIGQ[Ser766Asn]KIFFRTGVLA

ClinVar aggregate classification (germline): Uncertain significance. Review status: criteria provided, multiple submitters, no conflicts (2 of 4 stars). 6 submissions from 6 submitters: Uncertain significance (6). Last evaluated 2025-07-21.

Conditions:
Megacystis-microcolon-intestinal hypoperistalsis syndrome 2. Identifiers: MedGen C5543476, MONDO:0025708, OMIM 619351.
Visceral myopathy 2. Identifiers: MedGen C5543466, MONDO:0859157, OMIM 619350.
Aortic aneurysm, familial thoracic 4 (AAT4). Also called: AORTIC ANEURYSM/AORTIC DISSECTION AND PATENT DUCTUS ARTERIOSUS. Identifiers: MedGen C1851504, MONDO:0007568, OMIM 132900.
Familial thoracic aortic aneurysm and aortic dissection (TAAD). Also called: Thoracic aortic aneurysms and dissections. Identifiers: Orphanet 91387, MedGen C4707243, MONDO:0019625.
Congenital aneurysm of ascending aorta (AAT1). Also called: Aortic aneurysm, thoracic; AORTIC ANEURYSM, FAMILIAL THORACIC 1; ANNULOAORTIC ECTASIA; Familial thoracic aortic aneurysm. Identifiers: Orphanet 229, MedGen C0345050, MONDO:0024559, OMIM 607086.

Allele frequency attached by ClinVar (database versions not stated): gnomAD exomes below 0.00001; gnomAD 0.00001; TOPMed 0.00003.

Submissions (6):

Labcorp Genetics (formerly Invitae), Labcorp
Classification: Uncertain significance for Aortic aneurysm, familial thoracic 4. Last evaluated: 2025-07-21. Review status: criteria provided, single submitter. Criteria: Invitae Variant Classification Sherloc (09022015). Collection method: clinical testing. Allele origin: germline.
Comment: This sequence change replaces serine, which is neutral and polar, with asparagine, which is neutral and polar, at codon 773 of the MYH11 protein (p.Ser773Asn). This variant is present in population databases (no rsID available, gnomAD 0.003%). This variant has not been reported in the literature in individuals affected with MYH11-related conditions. ClinVar contains an entry for this variant (Variation ID: 372955). Invitae Evidence Modeling of protein sequence and biophysical properties (such as structural, functional, and spatial information, amino acid conservation, physicochemical variation, residue mobility, and thermodynamic stability) indicates that this missense variant is not expected to disrupt MYH11 protein function with a negative predictive value of 95%. In summary, the available evidence is currently insufficient to determine the role of this variant in disease. Therefore, it has been classified as a Variant of Uncertain Significance.

Color Diagnostics, LLC DBA Color Health
Classification: Uncertain significance for Familial thoracic aortic aneurysm and aortic dissection. Last evaluated: 2025-07-01. Review status: criteria provided, single submitter. Criteria: ACMG Guidelines, 2015. Collection method: clinical testing. Allele origin: germline.
Comment: This missense variant replaces serine with asparagine at codon 773 of the MYH11 protein. Computational prediction suggests that this variant may have a deleterious impact on protein structure and function. To our knowledge, functional studies have not been reported for this variant. This variant has not been reported in individuals affected with MYH11-related disorders in the literature. This variant has been identified in 1/251490 chromosomes in the general population by the Genome Aggregation Database (gnomAD). The available evidence is insufficient to determine the role of this variant in disease conclusively. Therefore, this variant is classified as a Variant of Uncertain Significance.

Ambry Genetics
Classification: Uncertain significance for Familial thoracic aortic aneurysm and aortic dissection. Last evaluated: 2025-06-11. Review status: criteria provided, single submitter. Criteria: Ambry Variant Classification Scheme 2023. Collection method: clinical testing. Allele origin: germline.
Comment: The p.S766N variant (also known as c.2297G>A), located in coding exon 18 of the MYH11 gene, results from a G to A substitution at nucleotide position 2297. The serine at codon 766 is replaced by asparagine, an amino acid with highly similar properties. This amino acid position is highly conserved in available vertebrate species. In addition, the in silico prediction for this alteration is inconclusive. Based on the available evidence, the clinical significance of this variant remains unclear.

Fulgent Genetics
Classification: Uncertain significance for Aortic aneurysm, familial thoracic 4; Visceral myopathy 2; Megacystis-microcolon-intestinal hypoperistalsis syndrome 2. Last evaluated: 2021-11-24. Review status: criteria provided, single submitter. Criteria: ACMG Guidelines, 2015. Collection method: clinical testing. Allele origin: unknown.

Blueprint Genetics
Classification: Uncertain significance. Last evaluated: 2021-09-30. Review status: criteria provided, single submitter. Criteria: ACMG Guidelines, 2015. Collection method: clinical testing. Allele origin: germline.

GeneDx
Classification: Uncertain significance. Last evaluated: 2016-06-13. Review status: criteria provided, single submitter. Criteria: GeneDx Variant Classification (06012015). Collection method: clinical testing. Allele origin: germline. Affected: yes.
Comment: The S766N variant in the MYH11 gene has not been reported previously as a pathogenic variant, nor as a benign variant, to our knowledge. The S766N variant was not observed in approximately 6500 individuals of European and African American ancestry in the NHLBI Exome Sequencing Project, indicating it is not a common benign variant in these populations. The S766N variant is a conservative amino acid substitution, which is not likely to impact secondary protein structure as these residues share similar properties. This substitution occurs at a position that is conserved across species. In silico analysis predicts this variant is probably damaging to the protein structure/function. We interpret S766N as a variant of uncertain significance.

Literature cited by the submitters: PubMed 33726816 (cited by Ambry Genetics).